The following is an entry in ClinVar:

NM_006904.7(PRKDC):c.1623+5_1623+6inv

Gene: PRKDC (protein kinase, DNA-activated, catalytic subunit; minus strand). Cytogenetic location: 8q11.21.
Variant type: Inversion.
Coding change: c.1623+5_1623+6inv on transcript NM_006904.7 (MANE Select).
Molecular consequence: intron variant.
Genome position: GRCh38 VCF-style: chr8-47933959-TG-CA. GRCh37 (hg19) VCF-style: chr8-48846519-TG-CA.
Other names: c.1623+5_1623+6inv (NM_001081640.2).
Identifiers: ClinVar variation 1351574 (VCV001351574.3), ClinGen allele CA2573143205.

ClinVar aggregate classification (germline): Uncertain significance (1 of 4 stars; one submission).

Conditions:
Severe combined immunodeficiency due to DNA-PKcs deficiency. Also called: IMMUNODEFICIENCY 26 WITH NEUROLOGIC ABNORMALITIES; Immunodeficiency 26 with or without neurologic abnormalities. Identifiers: Orphanet 317425, MedGen C4014833, MONDO:0014423, OMIM 615966.

Submission:

Labcorp Genetics (formerly Invitae), Labcorp
Classification: Uncertain significance for Severe combined immunodeficiency due to DNA-PKcs deficiency. Last evaluated: 2022-08-31. Review status: criteria provided, single submitter. Criteria: Invitae Variant Classification Sherloc (09022015). Collection method: clinical testing. Allele origin: germline.
Comment: In summary, the available evidence is currently insufficient to determine the role of this variant in disease. Therefore, it has been classified as a Variant of Uncertain Significance. Variants that disrupt the consensus splice site are a relatively common cause of aberrant splicing (PMID: 17576681, 9536098). Experimental studies and prediction algorithms are not available or were not evaluated, and the functional significance of this variant is currently unknown. ClinVar contains an entry for this variant (Variation ID: 1351574). This variant has not been reported in the literature in individuals affected with PRKDC-related conditions. Information on the frequency of this variant in the gnomAD database is not available, as this variant may be reported differently in the database. This sequence change falls in intron 15 of the PRKDC gene. It does not directly change the encoded amino acid sequence of the PRKDC protein. It affects a nucleotide within the consensus splice site.

Literature cited by the submitters: PubMed 17576681; PubMed 9536098.